The following is an entry in ClinVar:

ClinVar aggregate classification (germline): Pathogenic. Review status: reviewed by expert panel (3 of 4 stars). 9 submissions from 9 submitters: Pathogenic (1). 8 of the submissions do not count toward it. Last evaluated 2016-10-18.

Conditions:
Hereditary cancer-predisposing syndrome. Also called: Tumor predisposition; Neoplastic Syndromes, Hereditary; Hereditary neoplastic syndrome; Hereditary Cancer Syndrome. Identifiers: Orphanet 140162, MedGen C0027672, MeSH D009386, MONDO:0015356.
Hereditary breast ovarian cancer syndrome. Also called: Hereditary breast and ovarian cancer; Hereditary breast and ovarian cancer syndrome (HBOC); Hereditary breast and/or ovarian cancer syndrome; Breast and ovarian cancer; Hereditary breast and ovarian cancer syndrome; BRCA1- and BRCA2-Associated Hereditary Breast and Ovarian Cancer. Identifiers: Orphanet 145, MedGen C0677776, MeSH D061325, MONDO:0003582. Disease mechanism: loss of function.
Inherited prostate cancer.
Breast-ovarian cancer, familial, susceptibility to, 2 (BROVCA2). Also called: BRCA2 Hereditary Breast and Ovarian Cancer. Identifiers: Orphanet 145, MedGen C2675520, MONDO:0012933, OMIM 612555. Disease mechanism: loss of function.

Submissions (9):

Evidence-based Network for the Interpretation of Germline Mutant Alleles (ENIGMA)
Classification: Pathogenic for Breast-ovarian cancer, familial, susceptibility to, 2. Last evaluated: 2016-10-18. Review status: reviewed by expert panel. Criteria: ENIGMA BRCA1/2 Classification Criteria (2015). Collection method: curation. Allele origin: germline.
Comment: Variant allele predicted to encode a truncated non-functional protein.

Genetics Laboratory, Great Ormond Street Hospital NHS Foundation Trust, North Thames Genomic Laboratory Hub
Classification: Pathogenic for Inherited prostate cancer. Last evaluated: 2026-01-05. Review status: criteria provided, single submitter. Criteria: CanVIG BRCA Gene Specific V1.22. Collection method: clinical testing. Allele origin: germline. Affected: yes. Not counted in ClinVar's aggregate classification.
Comment: PM2_moderate, PVS1_very-strong, PM5_strong

Molecular Pathology, Peter Maccallum Cancer Centre
Classification: Pathogenic for Breast-ovarian cancer, familial, susceptibility to, 2. Last evaluated: 2024-03-27. Review status: criteria provided, single submitter. Criteria: ACMG Guidelines, 2015. Collection method: clinical testing. Allele origin: germline. Inheritance: Autosomal dominant inheritance. Not counted in ClinVar's aggregate classification.

Color Diagnostics, LLC DBA Color Health
Classification: Pathogenic for Hereditary cancer-predisposing syndrome. Last evaluated: 2023-12-11. Review status: criteria provided, single submitter. Criteria: ACMG Guidelines, 2015. Collection method: clinical testing. Allele origin: germline. Not counted in ClinVar's aggregate classification.
Comment: This variant changes 1 nucleotide in exon 11 of the BRCA2 gene, creating a premature translation stop signal. This variant is expected to result in an absent or non-functional protein product. To our knowledge, functional studies have not been reported for this variant. This variant has been detected in three individuals affected with breast and ovarian cancer and an individual affected with colon cancer (PMID: 28039656; Color internal data). This variant has not been identified in the general population by the Genome Aggregation Database (gnomAD). Loss of BRCA2 function is a known mechanism of disease. Based on the available evidence, this variant is classified as Pathogenic.

Ambry Genetics
Classification: Pathogenic for Hereditary cancer-predisposing syndrome. Last evaluated: 2023-01-13. Review status: criteria provided, single submitter. Criteria: Ambry Variant Classification Scheme 2023. Collection method: clinical testing. Allele origin: germline. Not counted in ClinVar's aggregate classification.
Comment: The p.L1294* variant (also known as c.3881T>G), located in coding exon 10 of the BRCA2 gene, results from a T to G substitution at nucleotide position 3881. This changes the amino acid from a leucine to a stop codon within coding exon 10. This alteration has been reported in multiple large studies of BRCA1/2 mutation positive families (Silvestri V et al. JAMA Oncol, 2020 Aug;6:1218-1230; Rebbeck TR et al. Hum Mutat, 2018 May;39:593-620). This variant is considered to be rare based on population cohorts in the Genome Aggregation Database (gnomAD). In addition to the clinical data presented in the literature, this alteration is expected to result in loss of function by premature protein truncation or nonsense-mediated mRNA decay. As such, this alteration is interpreted as a disease-causing mutation.

Labcorp Genetics (formerly Invitae), Labcorp
Classification: Pathogenic for Hereditary breast ovarian cancer syndrome. Last evaluated: 2021-09-18. Review status: criteria provided, single submitter. Criteria: Invitae Variant Classification Sherloc (09022015). Collection method: clinical testing. Allele origin: germline. Not counted in ClinVar's aggregate classification.
Comment: ClinVar contains an entry for this variant (Variation ID: 266780). This sequence change creates a premature translational stop signal (p.Leu1294*) in the BRCA2 gene. It is expected to result in an absent or disrupted protein product. Loss-of-function variants in BRCA2 are known to be pathogenic (PMID: 20104584). This variant is not present in population databases (ExAC no frequency). This premature translational stop signal has been observed in individual(s) with breast cancer (PMID: 28039656). For these reasons, this variant has been classified as Pathogenic.

Women's Health and Genetics/Laboratory Corporation of America, LabCorp
Classification: Pathogenic for Hereditary breast and ovarian cancer syndrome. Last evaluated: 2020-05-07. Review status: criteria provided, single submitter. Criteria: LabCorp Variant Classification Summary - May 2015. Collection method: clinical testing. Allele origin: germline. Not counted in ClinVar's aggregate classification.
Comment: Variant summary: BRCA2 c.3881T>G (p.Leu1294X) results in a premature termination codon, predicted to cause a truncation of the encoded protein or absence of the protein due to nonsense mediated decay, which are commonly known mechanisms for disease. The variant was absent in 193658 control chromosomes (gnomAD). c.3881T>G has been reported in the literature in multiple individuals affected with Hereditary Breast and Ovarian Cancer Syndrome (Ricci_2014, De Silva_2017, Rebbeck_2018). These data indicate that the variant is likely to be associated with disease. To our knowledge, no experimental evidence demonstrating an impact on protein function has been reported. Three submitters, including one expert panel (ENIGMA), have provided clinical-significance assessments for this variant in ClinVar after 2014 without evidence for independent evaluation, and classified the variant as pathogenic. Based on the evidence outlined above, the variant was classified as pathogenic.

Consortium of Investigators of Modifiers of BRCA1/2 (CIMBA), c/o University of Cambridge
Classification: Pathogenic for Breast-ovarian cancer, familial, susceptibility to, 2. Last evaluated: 2015-10-02. Review status: criteria provided, single submitter. Criteria: CIMBA Mutation Classification guidelines May 2016. Collection method: clinical testing. Allele origin: germline. Not counted in ClinVar's aggregate classification.

Research Molecular Genetics Laboratory, Women's College Hospital, University of Toronto
Classification: Pathogenic for Hereditary breast ovarian cancer syndrome. Last evaluated: 2014-01-31. Review status: no assertion criteria provided. Collection method: research. Allele origin: germline. Affected: yes. Study: The Canadian Open Genetics Repository (COGR). Not counted in ClinVar's aggregate classification.

Literature cited by the submitters: PubMed 28039656 (cited by 4 submitters); PubMed 29446198 (cited by Ambry Genetics and Women's Health and Genetics/Laboratory Corporation of America, LabCorp); PubMed 32614418 (cited by Ambry Genetics); PubMed 20104584 (cited by Labcorp Genetics (formerly Invitae), Labcorp); PubMed 24065114 (cited by Women's Health and Genetics/Laboratory Corporation of America, LabCorp).

NM_000059.4(BRCA2):c.3881T>G (p.Leu1294Ter)

Gene: BRCA2 (BRCA2 DNA repair associated; plus strand). Cytogenetic location: 13q13.1.
Variant type: single nucleotide variant.
Coding change: c.3881T>G on transcript NM_000059.4 (MANE Select); coding-DNA position 3881, T replaced by G.
Protein change: p.Leu1294Ter; replaces leucine 1294 with a stop codon.
Molecular consequence: nonsense.
Genome position (GRCh38, 1-based): chr13:32,338,236, T>G. VCF-style: chr13-32338236-T-G. GRCh37 (hg19) VCF-style: chr13-32912373-T-G.
Other names: 4109T>G; short protein forms L1294*.
Identifiers: ClinVar variation 266780 (VCV000266780.21), dbSNP rs80358632, ClinGen allele CA10589230.